The following is an entry in ClinVar:

ClinVar aggregate classification (germline): Conflicting classifications of pathogenicity. Review status: criteria provided, conflicting classifications (1 of 4 stars). 4 submissions from 4 submitters: Uncertain significance (1); Benign (1); Likely benign (2). Last evaluated 2025-06-02.

Conditions:
Tuberous sclerosis syndrome (TSC). Also called: Tuberous Sclerosis Complex; Tuberous sclerosis. Identifiers: Orphanet 805, MedGen C0041341, MONDO:0001734.
Tuberous sclerosis 2 (TSC2). Identifiers: Orphanet 805, MedGen C1860707, MONDO:0013199, OMIM 613254.
Hereditary cancer-predisposing syndrome. Also called: Tumor predisposition; Neoplastic Syndromes, Hereditary; Hereditary neoplastic syndrome; Hereditary Cancer Syndrome. Identifiers: Orphanet 140162, MedGen C0027672, MeSH D009386, MONDO:0015356.

Allele frequency attached by ClinVar (database versions not stated): gnomAD exomes below 0.00001.
gnomAD v4.1: 2 of 1,609,578 alleles (0.00012%); highest among the groups gnomAD compares: African/African-American, 0.0013%; no homozygotes.

Submissions (4):

Myriad Genetics, Inc.
Classification: Benign for Tuberous sclerosis 2. Last evaluated: 2025-06-02. Review status: criteria provided, single submitter. Criteria: Myriad Autosomal Dominant, Autosomal Recessive and X-Linked Classification Criteria (2023). Collection method: clinical testing. Allele origin: unknown.
Comment: This variant is considered benign. This variant is a silent/synonymous amino acid change and it is not expected to impact splicing.

Ambry Genetics
Classification: Likely benign for Hereditary cancer-predisposing syndrome. Last evaluated: 2024-12-08. Review status: criteria provided, single submitter. Criteria: Ambry Variant Classification Scheme 2023. Collection method: clinical testing. Allele origin: germline.

Labcorp Genetics (formerly Invitae), Labcorp
Classification: Likely benign for Tuberous sclerosis 2. Last evaluated: 2022-02-21. Review status: criteria provided, single submitter. Criteria: Invitae Variant Classification Sherloc (09022015). Collection method: clinical testing. Allele origin: germline.

Illumina Laboratory Services, Illumina
Classification: Uncertain significance for Tuberous sclerosis syndrome. Last evaluated: 2018-01-12. Review status: criteria provided, single submitter. Criteria: ICSL Variant Classification Criteria 13 December 2019. Collection method: clinical testing. Allele origin: germline.

NM_000548.5(TSC2):c.3945A>G (p.Pro1315=)

Gene: TSC2 (TSC complex subunit 2; plus strand). Cytogenetic location: 16p13.3.
Variant type: single nucleotide variant.
Coding change: c.3945A>G on transcript NM_000548.5 (MANE Select); coding-DNA position 3945, A replaced by G.
Protein change: p.Pro1315=; no amino-acid change (proline 1315 retained).
Molecular consequence: synonymous variant.
Genome position (GRCh38, 1-based): chr16:2,083,756, A>G. VCF-style: chr16-2083756-A-G. GRCh37 (hg19) VCF-style: chr16-2133757-A-G.
Other names: c.3744A>G, p.Pro1248= (NM_001077183.3); c.3876A>G, p.Pro1292= (NM_001114382.3); c.3636A>G, p.Pro1212= (NM_001318827.2); c.3600A>G, p.Pro1200= (NM_001318829.2); c.3213A>G, p.Pro1071= (NM_001318831.2); c.3777A>G, p.Pro1259= (NM_001318832.2); c.3747A>G, p.Pro1249= (NM_001363528.2); c.3813A>G, p.Pro1271= (NM_001370404.1); and 1 more.
Identifiers: ClinVar variation 884981 (VCV000884981.13), dbSNP rs1811018177, ClinGen allele CA492956580.